The following is an entry in ClinVar:

ClinVar aggregate classification (germline): Uncertain significance (1 of 4 stars; one submission).

Submission:

Labcorp Genetics (formerly Invitae), Labcorp
Classification: Uncertain significance. Last evaluated: 2023-11-02. Review status: criteria provided, single submitter. Criteria: Invitae Variant Classification Sherloc (09022015). Collection method: clinical testing. Allele origin: germline.
Comment: This variant, c.2190_2231del, results in the deletion of 14 amino acid(s) of the NEFH protein (p.Thr732_Lys745del), but otherwise preserves the integrity of the reading frame. This variant is not present in population databases (gnomAD no frequency). This variant has not been reported in the literature in individuals affected with NEFH-related conditions. ClinVar contains an entry for this variant (Variation ID: 2167900). Experimental studies and prediction algorithms are not available or were not evaluated, and the functional significance of this variant is currently unknown. In summary, the available evidence is currently insufficient to determine the role of this variant in disease. Therefore, it has been classified as a Variant of Uncertain Significance.

NM_021076.4(NEFH):c.2190_2231del (p.Thr732_Lys745del)

Gene: NEFH (neurofilament heavy chain; plus strand). Cytogenetic location: 22q12.2.
Variant type: Deletion.
Coding change: c.2190_2231del on transcript NM_021076.4 (MANE Select); coding-DNA positions 2190 to 2231, 42 bases deleted.
Protein change: p.Thr732_Lys745del.
Molecular consequence: inframe deletion.
Genome position (GRCh38, 1-based): chr22:29,489,830-29,489,871, 42 bases deleted; deleting any 42 consecutive bases within chr22:29,489,798-29,489,871 gives the same sequence; the c. name uses the placement nearest the transcript's 3' end. GRCh37 (hg19): chr22:29,885,819-29,885,860.
Identifiers: ClinVar variation 2167900 (VCV002167900.4), dbSNP rs2517978490, ClinGen allele CA2557263500.